The following is an entry in ClinVar:

ClinVar aggregate classification (germline): Benign. Review status: criteria provided, multiple submitters, no conflicts (2 of 4 stars). 2 submissions from 2 submitters: Benign (2). Last evaluated 2018-01-13.

Conditions:
Amelogenesis imperfecta (AI). Also called: Congenital enamel hypoplasia. Identifiers: Orphanet 88661, MedGen C0002452, MONDO:0019507, HP:0000705.

Allele frequency attached by ClinVar (database versions not stated): gnomAD exomes 0.04126; gnomAD 0.21005; 1000 Genomes Project 0.23842; TOPMed 0.24306; 1000 Genomes Project 30x 0.24875.
gnomAD v4.1: 33,333 of 152,420 alleles (22%); highest among the groups gnomAD compares: African/African-American, 65%; 9,074 homozygotes.

Submissions (2):

Illumina Laboratory Services, Illumina
Classification: Benign for Amelogenesis imperfecta. Last evaluated: 2018-01-13. Review status: criteria provided, single submitter. Criteria: ICSL Variant Classification Criteria 13 December 2019. Collection method: clinical testing. Allele origin: germline.
Comment: This variant was observed in the ICSL laboratory as part of a predisposition screen in an ostensibly healthy population. It had not been previously curated by ICSL or reported in the Human Gene Mutation Database (HGMD: prior to June 1st, 2018), and was therefore a candidate for classification through an automated scoring system. Utilizing variant allele frequency, disease prevalence and penetrance estimates, and inheritance mode, an automated score was calculated to assess if this variant is too frequent to cause the disease. Based on the score and internal cut-off values, a variant classified as benign is not then subjected to further curation. The score for this variant resulted in a classification of benign for this disease.

Breakthrough Genomics
Classification: Benign. Review status: criteria provided, single submitter. Criteria: ACMG Guidelines, 2015. Collection method: not provided. Allele origin: germline. Inheritance: Autosomal recessive inheritance. Affected: yes.

NM_031889.3(ENAM):c.-123G>A

Gene: ENAM (enamelin; plus strand). Cytogenetic location: 4q13.3.
Variant type: single nucleotide variant.
Coding change: c.-123G>A on transcript NM_031889.3 (MANE Select); 123 bases upstream of the start codon, G replaced by A.
Molecular consequence: 5 prime UTR variant.
Genome position (GRCh38, 1-based): chr4:70,628,902, G>A. VCF-style: chr4-70628902-G-A. GRCh37 (hg19) VCF-style: chr4-71494619-G-A.
Identifiers: ClinVar variation 349489 (VCV000349489.6), dbSNP rs1993579, ClinGen allele CA10621619.